The following is an entry in ClinVar:

ClinVar aggregate classification (germline): Uncertain significance (1 of 4 stars; one submission).

Conditions:
Immunodeficiency due to MASP-2 deficiency. Also called: MASP2 deficiency; LECTIN COMPLEMENT ACTIVATION PATHWAY, DEFECT IN, 2. Identifiers: Orphanet 331187, MedGen C3151085, MONDO:0013423, OMIM 613791.

Allele frequency attached by ClinVar (database versions not stated): TOPMed 0.00014; 1000 Genomes Project 30x 0.00016; 1000 Genomes Project 0.00020.

Submission:

Baylor Genetics
Classification: Uncertain significance for Immunodeficiency due to MASP-2 deficiency. Last evaluated: 2018-04-19. Review status: criteria provided, single submitter. Criteria: ACMG Guidelines, 2015. Collection method: clinical testing. Allele origin: unknown. Affected: yes.
Comment: This variant was determined to be of uncertain significance according to ACMG Guidelines, 2015 [PMID:25741868].

NM_006610.4(MASP2):c.1078G>A (p.Ala360Thr)

Gene: MASP2 (MBL associated serine protease 2; minus strand). Cytogenetic location: 1p36.22.
Variant type: single nucleotide variant.
Coding change: c.1078G>A on transcript NM_006610.4 (MANE Select); coding-DNA position 1078, G replaced by A.
Protein change: p.Ala360Thr; replaces alanine 360 with threonine.
Molecular consequence: missense variant.
Genome position (GRCh38, 1-based): chr1:11,034,837, C>T on the plus strand (G>A on the coding strand, the complement: MASP2 is on the minus strand). VCF-style: chr1-11034837-C-T. GRCh37 (hg19) VCF-style: chr1-11094894-C-T.
Other names: short protein forms A360T.
Identifiers: ClinVar variation 1032464 (VCV001032464.1), dbSNP rs200844905, ClinGen allele CA586823.
Genomic context (GRCh38, chr1:11,034,837, plus strand): 5'-CAGAGGGAGTTCCGGGCGGTTATGGGGCCTGTAGTCACCACACGACCGTACTGCTGCACG[C>T]GGGCATTGGCCGGTCCCAAGATCCATCTTTCTGACAAACTGCAGTAAAGGATTTCAGGGG-3'
Protein context (NP_006601.2, residues 350-370): KDGSWDRPMP[Ala360Thr]CSIVDCGPPD